The following is an entry in ClinVar:

NM_001242896.3(DEPDC5):c.247C>T (p.Gln83Ter)

Gene: DEPDC5 (DEP domain containing 5, GATOR1 subcomplex subunit; plus strand). Cytogenetic location: 22q12.2.
Variant type: single nucleotide variant.
Coding change: c.247C>T on transcript NM_001242896.3 (MANE Select); coding-DNA position 247, C replaced by T.
Protein change: p.Gln83Ter; replaces glutamine 83 with a stop codon.
Molecular consequence: nonsense. On other transcripts: non-coding transcript variant (5).
Genome position (GRCh38, 1-based): chr22:31,765,028, C>T. VCF-style: chr22-31765028-C-T. GRCh37 (hg19) VCF-style: chr22-32161014-C-T.
Other names: c.247C>T, p.Gln83Ter (NM_001007188.4, NM_001136029.4, NM_001242897.2 and 9 more transcripts); short protein forms Q83*.
Identifiers: ClinVar variation 1073664 (VCV001073664.7), dbSNP rs2148103774, ClinGen allele CA411281463.

ClinVar aggregate classification (germline): Pathogenic (1 of 4 stars; one submission).

Conditions:
Familial focal epilepsy with variable foci (FPEVF). Identifiers: Orphanet 98820, MedGen C1858477, MONDO:0020310.

Submission:

Labcorp Genetics (formerly Invitae), Labcorp
Classification: Pathogenic for Familial focal epilepsy with variable foci. Last evaluated: 2024-10-21. Review status: criteria provided, single submitter. Criteria: Invitae Variant Classification Sherloc (09022015). Collection method: clinical testing. Allele origin: germline.
Comment: This sequence change creates a premature translational stop signal (p.Gln83*) in the DEPDC5 gene. It is expected to result in an absent or disrupted protein product. Loss-of-function variants in DEPDC5 are known to be pathogenic (PMID: 23542697, 23542701). This variant is not present in population databases (gnomAD no frequency). This variant has not been reported in the literature in individuals affected with DEPDC5-related conditions. ClinVar contains an entry for this variant (Variation ID: 1073664). For these reasons, this variant has been classified as Pathogenic.

Literature cited by the submitters: PubMed 23542697; PubMed 23542701.